The following is an entry in ClinVar:

NM_003611.3(OFD1):c.2327C>G (p.Thr776Ser)

Gene: OFD1 (OFD1 centriole and centriolar satellite protein; plus strand). Cytogenetic location: Xp22.2.
Variant type: single nucleotide variant.
Coding change: c.2327C>G on transcript NM_003611.3 (MANE Select); coding-DNA position 2327, C replaced by G.
Protein change: p.Thr776Ser; replaces threonine 776 with serine.
Molecular consequence: missense variant.
Genome position (GRCh38, 1-based): chrX:13,761,151, C>G. VCF-style: chrX-13761151-C-G. GRCh37 (hg19) VCF-style: chrX-13779270-C-G.
Other names: c.2207C>G, p.Thr736Ser (NM_001330209.2); c.1907C>G, p.Thr636Ser (NM_001330210.2); short protein forms T776S, T636S, T736S.
Identifiers: ClinVar variation 708019 (VCV000708019.9), dbSNP rs1602907726, ClinGen allele CA412345009.

ClinVar aggregate classification (germline): Conflicting classifications of pathogenicity. Review status: criteria provided, conflicting classifications (1 of 4 stars). 2 submissions from 2 submitters: Uncertain significance (1); Benign (1). Last evaluated 2026-03-12.

Conditions:
OFD1-related disorder. Also called: OFD1-related condition.
Orofaciodigital syndrome I (OFD1). Also called: Papillon-Leage and Psaume Syndrome; Oral-Facial-Digital Syndrome Type I; OFDS I. Identifiers: Orphanet 2750, MedGen C1510460, MONDO:0010702, OMIM 311200.
Joubert syndrome. Also called: Familial aplasia of the vermis; JOUBERT-BOLTSHAUSER SYNDROME. Identifiers: Orphanet 475, MedGen C5979921, MONDO:0018772.

Allele frequency attached by ClinVar (database versions not stated): gnomAD exomes below 0.00001; TOPMed 0.00001; gnomAD 0.00002.
gnomAD v4.1: 3 of 1,208,507 alleles (0.00025%); highest among the groups gnomAD compares: African/African-American, 0.0053%; no homozygotes.

Submissions (2):

PreventionGenetics, part of Exact Sciences
Classification: Uncertain significance for OFD1-related condition. Last evaluated: 2026-03-12. Review status: criteria provided, single submitter. Criteria: ACMG Guidelines, 2015. Collection method: clinical testing. Allele origin: germline.
Comment: The OFD1 c.2327C>G variant is predicted to result in the amino acid substitution p.Thr776Ser. To our knowledge, this variant has not been reported in the literature or in a large population database (gnomAD), indicating this variant is rare. At this time, the clinical significance of this variant is uncertain due to the absence of conclusive functional and genetic evidence.

Labcorp Genetics (formerly Invitae), Labcorp
Classification: Benign for Orofaciodigital syndrome I; Joubert syndrome. Last evaluated: 2026-01-05. Review status: criteria provided, single submitter. Criteria: Invitae Variant Classification Sherloc (09022015). Collection method: clinical testing. Allele origin: germline.